The following is an entry in ClinVar:

NM_006767.4(LZTR1):c.247T>C (p.Phe83Leu)

Gene: LZTR1 (leucine zipper like post translational regulator 1; plus strand). Cytogenetic location: 22q11.21.
Variant type: single nucleotide variant.
Coding change: c.247T>C on transcript NM_006767.4 (MANE Select); coding-DNA position 247, T replaced by C.
Protein change: p.Phe83Leu; replaces phenylalanine 83 with leucine.
Molecular consequence: missense variant.
Genome position (GRCh38, 1-based): chr22:20,983,073, T>C. VCF-style: chr22-20983073-T-C. GRCh37 (hg19) VCF-style: chr22-21337362-T-C.
Other names: short protein forms F83L.
Identifiers: ClinVar variation 3238258 (VCV003238258.1), dbSNP rs2518608645.
Genomic context (GRCh38, chr22:20,983,073, plus strand): 5'-TCCTTTCTTTCCAGGCGCAGCAAGCACACAGTGGTGGCCTATAAAGATGCCATTTATGTA[T>C]TTGGTGGAGACAATGGGTGAGTGAGTCTCAGCATCAGTGTTTGGACCAGGTAGGGAGAAG-3'
Protein context (NP_006758.2, residues 73-93): VVAYKDAIYV[Phe83Leu]GGDNGKTMLN

ClinVar aggregate classification (germline): Uncertain significance (1 of 4 stars; one submission).

Conditions:
Hereditary cancer-predisposing syndrome. Also called: Neoplastic Syndromes, Hereditary; Tumor predisposition; Hereditary neoplastic syndrome; Hereditary Cancer Syndrome. Identifiers: Orphanet 140162, MedGen C0027672, MeSH D009386, MONDO:0015356.
Cardiovascular phenotype. Identifiers: MedGen CN230736.

Submission:

Ambry Genetics
Classification: Uncertain significance for Cardiovascular phenotype; Hereditary cancer-predisposing syndrome. Last evaluated: 2023-07-17. Review status: criteria provided, single submitter. Criteria: Ambry Variant Classification Scheme 2023. Collection method: clinical testing. Allele origin: germline.
Comment: The p.F83L variant (also known as c.247T>C), located in coding exon 2 of the LZTR1 gene, results from a T to C substitution at nucleotide position 247. The phenylalanine at codon 83 is replaced by leucine, an amino acid with highly similar properties. This amino acid position is conserved. In addition, this alteration is predicted to be deleterious by in silico analysis. Since supporting evidence is limited at this time, the clinical significance of this alteration remains unclear.